The following is an entry in ClinVar:

NM_001394062.1(MACF1):c.18837A>G (p.Glu6279=)

Gene: MACF1 (microtubule actin crosslinking factor 1; plus strand). Cytogenetic location: 1p34.3.
Variant type: single nucleotide variant.
Coding change: c.18837A>G on transcript NM_001394062.1 (MANE Select); coding-DNA position 18837, A replaced by G.
Protein change: p.Glu6279=; no amino-acid change (glutamic acid 6279 retained).
Molecular consequence: synonymous variant.
Genome position (GRCh38, 1-based): chr1:39,442,209, A>G. VCF-style: chr1-39442209-A-G. GRCh37 (hg19) VCF-style: chr1-39907881-A-G.
Other names: c.6915A>G, p.Glu2305= (NM_001397473.1); c.12660A>G, p.Glu4220= (NM_012090.5).
Identifiers: ClinVar variation 2713710 (VCV002713710.5), dbSNP rs754144854, ClinGen allele CA783979.

ClinVar aggregate classification (germline): Benign/Likely benign. Review status: criteria provided, multiple submitters, no conflicts (2 of 4 stars). 2 submissions from 2 submitters: Benign (1); Likely benign (1). Last evaluated 2026-07-01.

Allele frequency attached by ClinVar (database versions not stated): gnomAD 0.00003; TOPMed 0.00006; gnomAD exomes 0.00011; ExAC 0.00023.
gnomAD v4.1: 71 of 1,607,888 alleles (0.0044%); highest among the groups gnomAD compares: Admixed American, 0.083%; no homozygotes.

Submissions (3):

CeGaT Center for Human Genetics Tuebingen
Classification: Likely benign. Last evaluated: 2026-07-01. Review status: criteria provided, single submitter. Criteria: CeGaT Center For Human Genetics Tuebingen Variant Classification Criteria Version 2. Collection method: clinical testing. Allele origin: germline. Affected: yes. Observed: 1 variant allele.
Comment: MACF1: BP4, BP7

Labcorp Genetics (formerly Invitae), Labcorp
Classification: Benign. Last evaluated: 2024-11-17. Review status: criteria provided, single submitter. Criteria: Invitae Variant Classification Sherloc (09022015). Collection method: clinical testing. Allele origin: germline.

Dr. Peter K. Rogan Lab, Western University
No classification provided (evidence only). Condition: Ovarian serous cystadenocarcinoma. Review status: no classification provided. Collection method: in vitro. Allele origin: not applicable. Functional consequence: retained intron. Not counted in ClinVar's aggregate classification.